The following is an entry in ClinVar:

NM_015158.5(KANK1):c.3949G>T (p.Ala1317Ser)

Gene: KANK1 (KN motif and ankyrin repeat domains 1; plus strand). Cytogenetic location: 9p24.3.
Variant type: single nucleotide variant.
Coding change: c.3949G>T on transcript NM_015158.5 (MANE Select); coding-DNA position 3949, G replaced by T.
Protein change: p.Ala1317Ser; replaces alanine 1317 with serine.
Molecular consequence: missense variant. On other transcripts: non-coding transcript variant (1).
Genome position (GRCh38, 1-based): chr9:744,542, G>T. VCF-style: chr9-744542-G-T. GRCh37 (hg19) VCF-style: chr9-744542-G-T.
Other names: c.3949G>T, p.Ala1317Ser (NM_001256876.3, NM_001256877.3, NM_001354334.2); c.3709G>T, p.Ala1237Ser (NM_001354331.2); c.3895G>T, p.Ala1299Ser (NM_001354332.2); c.3475G>T, p.Ala1159Ser (NM_001354333.2, NM_001354335.2, NM_001354337.2 and 2 more transcripts); c.3181G>T, p.Ala1061Ser (NM_001354336.2); c.3421G>T, p.Ala1141Ser (NM_001354338.2, NM_001354340.2, NM_001354344.2); c.3235G>T, p.Ala1079Ser (NM_001354339.2, NM_001354342.2, NM_001354343.2); short protein forms A1079S, A1237S, A1299S, A1141S, A1159S, A1061S, A1317S.
Identifiers: ClinVar variation 2808691 (VCV002808691.3), dbSNP rs535542451, ClinGen allele CA372763723.
Genomic context (GRCh38, chr9:744,542, plus strand): 5'-TATCTTAAGGATGGCAGCACTGCGCTCTCAATCGCCCTGGAAGCAGGACACAAGGACATC[G>T]CTGTTCTTCTGTATGCCCATGTCAACTTTGCAAAAGCCCAGTCTCCGGTCAGTGTTGTGC-3'
Protein context (NP_055973.2, residues 1307-1327): IALEAGHKDI[Ala1317Ser]VLLYAHVNFA

ClinVar aggregate classification (germline): Uncertain significance (1 of 4 stars; one submission).

gnomAD v4.1: 1 of 1,614,142 alleles (0.000062%); highest among the groups gnomAD compares: Admixed American, 0.0017%; no homozygotes.

Submission:

Labcorp Genetics (formerly Invitae), Labcorp
Classification: Uncertain significance. Last evaluated: 2022-10-16. Review status: criteria provided, single submitter. Criteria: Invitae Variant Classification Sherloc (09022015). Collection method: clinical testing. Allele origin: germline.
Comment: This variant has not been reported in the literature in individuals affected with KANK1-related conditions. This variant is present in population databases (no rsID available, gnomAD 0.003%). This sequence change replaces alanine, which is neutral and non-polar, with serine, which is neutral and polar, at codon 1317 of the KANK1 protein (p.Ala1317Ser). Algorithms developed to predict the effect of missense changes on protein structure and function are either unavailable or do not agree on the potential impact of this missense change (SIFT: "Tolerated"; PolyPhen-2: "Probably Damaging"; Align-GVGD: "Class C0"). In summary, the available evidence is currently insufficient to determine the role of this variant in disease. Therefore, it has been classified as a Variant of Uncertain Significance.